The following is an entry in ClinVar:

NM_005732.4(RAD50):c.3914G>C (p.Ser1305Thr)

Genes: RAD50 (RAD50 double strand break repair protein; plus strand), TH2LCRR (T helper type 2 locus control region associated RNA; minus strand). Cytogenetic location: 5q31.1.
Variant type: single nucleotide variant.
Coding change: c.3914G>C on transcript NM_005732.4 (MANE Select); coding-DNA position 3914, G replaced by C.
Protein change: p.Ser1305Thr; replaces serine 1305 with threonine.
Molecular consequence: missense variant.
Genome position (GRCh38, 1-based): chr5:132,642,339, G>C. VCF-style: chr5-132642339-G-C. GRCh37 (hg19) VCF-style: chr5-131978031-G-C.
Other names: short protein forms S1305T.
Identifiers: ClinVar variation 2759178 (VCV002759178.3), dbSNP rs2149867085, ClinGen allele CA360937587.
Genomic context (GRCh38, chr5:132,642,339, plus strand): 5'-AATTCTACAGGATTAAAAAGAACATCGATCAGTGCTCAGAGATTGTGAAATGCAGTGTTA[G>C]CTCCCTGGGATTCAATGTTCATTAAAAATATCCAAGATTTAAATGCCATAGAAATGTAGG-3'
Protein context (NP_005723.2, residues 1295-1312): QCSEIVKCSV[Ser1305Thr]SLGFNVH

ClinVar aggregate classification (germline): Uncertain significance (1 of 4 stars; one submission).

Conditions:
Hereditary cancer-predisposing syndrome. Also called: Neoplastic Syndromes, Hereditary; Hereditary Cancer Syndrome; Hereditary neoplastic syndrome; Tumor predisposition. Identifiers: Orphanet 140162, MedGen C0027672, MeSH D009386, MONDO:0015356.

Submission:

Labcorp Genetics (formerly Invitae), Labcorp
Classification: Uncertain significance for Hereditary cancer-predisposing syndrome. Last evaluated: 2023-09-08. Review status: criteria provided, single submitter. Criteria: Invitae Variant Classification Sherloc (09022015). Collection method: clinical testing. Allele origin: germline.
Comment: In summary, the available evidence is currently insufficient to determine the role of this variant in disease. Therefore, it has been classified as a Variant of Uncertain Significance. Algorithms developed to predict the effect of missense changes on protein structure and function output the following: SIFT: "Not Available"; PolyPhen-2: "Benign"; Align-GVGD: "Not Available". The threonine amino acid residue is found in multiple mammalian species, which suggests that this missense change does not adversely affect protein function. This variant has not been reported in the literature in individuals affected with RAD50-related conditions. This variant is not present in population databases (gnomAD no frequency). This sequence change replaces serine, which is neutral and polar, with threonine, which is neutral and polar, at codon 1305 of the RAD50 protein (p.Ser1305Thr).